The following is an entry in ClinVar:

ClinVar aggregate classification (germline): Benign/Likely benign. Review status: criteria provided, multiple submitters, no conflicts (2 of 4 stars). 4 submissions from 4 submitters: Benign (2); Likely benign (2). Last evaluated 2026-01-26.

Conditions:
Metaphyseal anadysplasia 2 (MANDP2). Also called: Metaphyseal anadysplasia 2, autosomal recessive. Identifiers: Orphanet 1040, MedGen C2751322, MONDO:0013113, OMIM 613073.

Allele frequency attached by ClinVar (database versions not stated): gnomAD exomes 0.00103 and 0.00275; ExAC 0.00312; 1000 Genomes Project 0.00978; 1000 Genomes Project 30x 0.01031; gnomAD 0.01121 and 0.01207; TOPMed 0.01254; ESP Exome Variant Server 0.01353.
gnomAD v4.1: 3,300 of 1,613,860 alleles (0.2%); highest among the groups gnomAD compares: African/African-American, 3.9%; 62 homozygotes.

Submissions (4):

Labcorp Genetics (formerly Invitae), Labcorp
Classification: Benign. Last evaluated: 2026-01-26. Review status: criteria provided, single submitter. Criteria: Invitae Variant Classification Sherloc (09022015). Collection method: clinical testing. Allele origin: germline.

GeneDx
Classification: Likely benign. Last evaluated: 2024-01-22. Review status: criteria provided, single submitter. Criteria: GeneDx Variant Classification Process June 2021. Collection method: clinical testing. Allele origin: germline. Affected: yes.
Comment: See Variant Classification Assertion Criteria.

Illumina Laboratory Services, Illumina
Classification: Benign for Metaphyseal anadysplasia 2. Last evaluated: 2018-01-12. Review status: criteria provided, single submitter. Criteria: ICSL Variant Classification Criteria 13 December 2019. Collection method: clinical testing. Allele origin: germline.
Comment: This variant was observed in the ICSL laboratory as part of a predisposition screen in an ostensibly healthy population. It had not been previously curated by ICSL or reported in the Human Gene Mutation Database (HGMD: prior to June 1st, 2018), and was therefore a candidate for classification through an automated scoring system. Utilizing variant allele frequency, disease prevalence and penetrance estimates, and inheritance mode, an automated score was calculated to assess if this variant is too frequent to cause the disease. Based on the score and internal cut-off values, a variant classified as benign is not then subjected to further curation. The score for this variant resulted in a classification of benign for this disease.

Breakthrough Genomics
Classification: Likely benign. Review status: criteria provided, single submitter. Criteria: ACMG Guidelines, 2015. Collection method: not provided. Allele origin: germline. Inheritance: Autosomal recessive inheritance. Affected: yes.

NM_004994.3(MMP9):c.716G>A (p.Arg239His)

Gene: MMP9 (matrix metallopeptidase 9; plus strand). Cytogenetic location: 20q13.12.
Variant type: single nucleotide variant.
Coding change: c.716G>A on transcript NM_004994.3 (MANE Select); coding-DNA position 716, G replaced by A.
Protein change: p.Arg239His; replaces arginine 239 with histidine.
Molecular consequence: missense variant.
Genome position (GRCh38, 1-based): chr20:46,011,209, G>A. VCF-style: chr20-46011209-G-A. GRCh37 (hg19) VCF-style: chr20-44639848-G-A.
Other names: short protein forms R239H.
Identifiers: ClinVar variation 338549 (VCV000338549.20), dbSNP rs28763886, ClinGen allele CA9886489.